The following is an entry in ClinVar:

NM_007186.6(CEP250):c.600-3C>T

Gene: CEP250 (centrosomal protein 250; plus strand). Cytogenetic location: 20q11.22.
Variant type: single nucleotide variant.
Coding change: c.600-3C>T on transcript NM_007186.6 (MANE Select); 3 bases into the intron before coding-DNA position 600, C replaced by T.
Molecular consequence: intron variant.
Genome position (GRCh38, 1-based): chr20:35,467,301, C>T. VCF-style: chr20-35467301-C-T. GRCh37 (hg19) VCF-style: chr20-34055126-C-T.
Other names: c.-1300-3C>T (NM_001318219.1).
Identifiers: ClinVar variation 962689 (VCV000962689.8), dbSNP rs1215447362, ClinGen allele CA635722192.

ClinVar aggregate classification (germline): Uncertain significance (1 of 4 stars; one submission).

Allele frequency attached by ClinVar (database versions not stated): gnomAD exomes below 0.00001.
gnomAD v4.1: 6 of 1,610,872 alleles (0.00037%); highest among the groups gnomAD compares: Admixed American, 0.0017%; no homozygotes.

Submission:

Labcorp Genetics (formerly Invitae), Labcorp
Classification: Uncertain significance. Last evaluated: 2022-06-13. Review status: criteria provided, single submitter. Criteria: Invitae Variant Classification Sherloc (09022015). Collection method: clinical testing. Allele origin: germline.
Comment: In summary, the available evidence is currently insufficient to determine the role of this variant in disease. Therefore, it has been classified as a Variant of Uncertain Significance. Variants that disrupt the consensus splice site are a relatively common cause of aberrant splicing (PMID: 17576681, 9536098). Algorithms developed to predict the effect of sequence changes on RNA splicing suggest that this variant may disrupt the consensus splice site. ClinVar contains an entry for this variant (Variation ID: 962689). This variant has not been reported in the literature in individuals affected with CEP250-related conditions. This variant is present in population databases (no rsID available, gnomAD 0.003%). This sequence change falls in intron 8 of the CEP250 gene. It does not directly change the encoded amino acid sequence of the CEP250 protein. It affects a nucleotide within the consensus splice site.

Literature cited by the submitters: PubMed 17576681; PubMed 9536098.